The following is an entry in ClinVar:

NR_001564.3(XIST):n.7894A>G

Gene: XIST (X inactive specific transcript; minus strand). Cytogenetic location: Xq13.2.
Variant type: single nucleotide variant.
Genome position: GRCh38 VCF-style: chrX-73844821-T-C. GRCh37 (hg19) VCF-style: chrX-73064656-T-C.
Identifiers: ClinVar variation 3045435 (VCV003045435.2), dbSNP rs73624270, ClinGen allele CA10452983.
Genomic context (GRCh38, chrX:73,844,821, plus strand): 5'-AAAAGGGGTCTGAGAGTAAGGCCTTATTCAGATGAGATAGGCCGTGTGCAGTTACACACA[T>C]TATTGACCAAGGTGCATGGCTGCGGTCACTTAGAATTGTGCACCTTGACTGTCCAAATGT-3'

ClinVar aggregate classification (germline): Benign (0 of 4 stars; one submission).

Conditions:
XIST-related disorder. Also called: XIST-related condition.

Allele frequency attached by ClinVar (database versions not stated): gnomAD exomes 0.00070; ExAC 0.00117; 1000 Genomes Project 0.00238; ESP Exome Variant Server 0.00243; 1000 Genomes Project 30x 0.00271; gnomAD 0.00386; TOPMed 0.00461.
gnomAD v4.1: 738 of 554,512 alleles (0.13%); highest among the groups gnomAD compares: African/African-American, 1.4%; 5 homozygotes.

Submission:

PreventionGenetics, part of Exact Sciences
Classification: Benign for XIST-related condition. Last evaluated: 2019-11-25. Review status: no assertion criteria provided. Collection method: clinical testing. Allele origin: germline.
Comment: This variant is classified as benign based on ACMG/AMP sequence variant interpretation guidelines (Richards et al. 2015 PMID: 25741868, with internal and published modifications).